The following is an entry in ClinVar:

NM_001035.3(RYR2):c.827G>A (p.Arg276Lys)

Gene: RYR2 (ryanodine receptor 2; plus strand). Cytogenetic location: 1q43.
Variant type: single nucleotide variant.
Coding change: c.827G>A on transcript NM_001035.3 (MANE Select); coding-DNA position 827, G replaced by A.
Protein change: p.Arg276Lys; replaces arginine 276 with lysine.
Molecular consequence: missense variant.
Genome position (GRCh38, 1-based): chr1:237,417,102, G>A. VCF-style: chr1-237417102-G-A. GRCh37 (hg19) VCF-style: chr1-237580402-G-A.
Other names: short protein forms R276K.
Identifiers: ClinVar variation 4076468 (VCV004076468.1).

ClinVar aggregate classification (germline): Uncertain significance (1 of 4 stars; one submission).

Conditions:
Cardiovascular phenotype. Identifiers: MedGen CN230736.

Submission:

Molecular Diagnostic Laboratory for Inherited Cardiovascular Disease, Montreal Heart Institute
Classification: Uncertain significance for Cardiovascular phenotype. Last evaluated: 2025-07-24. Review status: criteria provided, single submitter. Criteria: ACMG Guidelines, 2015. Collection method: clinical testing. Allele origin: germline. Affected: yes.
Comment: PM1, PM2, PP2